The following is an entry in ClinVar:

ClinVar aggregate classification (germline): Conflicting classifications of pathogenicity. Review status: criteria provided, conflicting classifications (1 of 4 stars). 2 submissions from 2 submitters: Uncertain significance (1); Likely benign (1). Last evaluated 2025-10-29.

Conditions:
Primary ciliary dyskinesia. Also called: Ciliary dyskinesia. Identifiers: Orphanet 244, MedGen C0008780, MONDO:0016575, HP:0012265.
Inborn genetic diseases. Identifiers: MedGen C0950123, MeSH D030342.

Allele frequency attached by ClinVar (database versions not stated): gnomAD exomes 0.00001; TOPMed 0.00001; gnomAD 0.00002.

Submissions (2):

Labcorp Genetics (formerly Invitae), Labcorp
Classification: Uncertain significance for Primary ciliary dyskinesia. Last evaluated: 2025-10-29. Review status: criteria provided, single submitter. Criteria: Invitae Variant Classification Sherloc (09022015). Collection method: clinical testing. Allele origin: germline.
Comment: This sequence change replaces alanine, which is neutral and non-polar, with threonine, which is neutral and polar, at codon 322 of the MCIDAS protein (p.Ala322Thr). The frequency data for this variant in the population databases is considered unreliable, as metrics indicate poor data quality at this position in the gnomAD database. This variant has not been reported in the literature in individuals affected with MCIDAS-related conditions. ClinVar contains an entry for this variant (Variation ID: 1008453). Invitae Evidence Modeling of protein sequence and biophysical properties (such as structural, functional, and spatial information, amino acid conservation, physicochemical variation, residue mobility, and thermodynamic stability) indicates that this missense variant is not expected to disrupt MCIDAS protein function with a negative predictive value of 80%. In summary, the available evidence is currently insufficient to determine the role of this variant in disease. Therefore, it has been classified as a Variant of Uncertain Significance.

Ambry Genetics
Classification: Likely benign for Inborn genetic diseases. Last evaluated: 2022-06-24. Review status: criteria provided, single submitter. Criteria: Ambry Variant Classification Scheme 2023. Collection method: clinical testing. Allele origin: germline.

NM_001190787.3(MCIDAS):c.964G>A (p.Ala322Thr)

Gene: MCIDAS (multiciliate differentiation and DNA synthesis associated cell cycle protein; minus strand). Cytogenetic location: 5q11.2.
Variant type: single nucleotide variant.
Coding change: c.964G>A on transcript NM_001190787.3 (MANE Select); coding-DNA position 964, G replaced by A.
Protein change: p.Ala322Thr; replaces alanine 322 with threonine.
Molecular consequence: missense variant.
Genome position (GRCh38, 1-based): chr5:55,220,560, C>T on the plus strand (G>A on the coding strand, the complement: MCIDAS is on the minus strand). VCF-style: chr5-55220560-C-T. GRCh37 (hg19) VCF-style: chr5-54516388-C-T.
Other names: c.964G>A (NM_001190787.1); short protein forms A322T.
Identifiers: ClinVar variation 1008453 (VCV001008453.7), dbSNP rs113717721, ClinGen allele CA118981343.